The following is an entry in ClinVar:

ClinVar aggregate classification (germline): Conflicting classifications of pathogenicity. Review status: criteria provided, conflicting classifications (1 of 4 stars). 21 submissions from 20 submitters: Uncertain significance (6); Benign (5); Likely benign (6). 4 of the submissions do not count toward it. Last evaluated 2026-02-04.

Conditions:
Breast and/or ovarian cancer. Identifiers: MedGen CN221562.
Hereditary cancer-predisposing syndrome. Also called: Tumor predisposition; Hereditary neoplastic syndrome; Hereditary Cancer Syndrome; Neoplastic Syndromes, Hereditary. Identifiers: Orphanet 140162, MedGen C0027672, MeSH D009386, MONDO:0015356.
BRIP1-related disorder. Also called: BRIP1-related condition; BRIP1-related disorders. Identifiers: MedGen CN239206.
Familial cancer of breast. Also called: Hereditary breast cancer; hereditary breast carcinoma; BREAST CANCER, FAMILIAL. Identifiers: Orphanet 227535, MedGen C0346153, MONDO:0016419, OMIM 114480. Disease mechanism: loss of function.
Fanconi anemia complementation group J. Also called: BRIP1-Related Fanconi Anemia. Identifiers: Orphanet 84, MedGen C1836860, MONDO:0012187, OMIM 609054.
Ovarian cancer. Also called: OVARIAN CANCER, SOMATIC. Identifiers: Orphanet 213500, MedGen C1140680, MONDO:0008170, OMIM 167000.
Malignant tumor of breast. Also called: Cancer breast; Malignant breast neoplasm. Identifiers: MedGen C0006142, MONDO:0007254. Disease mechanism: loss of function.

Allele frequency attached by ClinVar (database versions not stated): gnomAD 0.00006 and 0.00020; TOPMed 0.00006; 1000 Genomes Project 0.00020; gnomAD exomes 0.00031 and 0.00059; 1000 Genomes Project 30x 0.00047; ExAC 0.00058.
gnomAD v4.1: 497 of 1,614,128 alleles (0.031%); highest among the groups gnomAD compares: South Asian, 0.42%; 3 homozygotes.

Submissions 1 to 16 of 21:

Labcorp Genetics (formerly Invitae), Labcorp
Classification: Likely benign for Familial cancer of breast; Fanconi anemia complementation group J. Last evaluated: 2026-02-04. Review status: criteria provided, single submitter. Criteria: Invitae Variant Classification Sherloc (09022015). Collection method: clinical testing. Allele origin: germline.

CeGaT Center for Human Genetics Tuebingen
Classification: Likely benign. Last evaluated: 2026-01-01. Review status: criteria provided, single submitter. Criteria: CeGaT Center For Human Genetics Tuebingen Variant Classification Criteria Version 2. Collection method: clinical testing. Allele origin: germline. Affected: yes. Observed: 3 variant alleles.
Comment: BRIP1: BP4, BS2

Center for Genomic Medicine, Rigshospitalet, Copenhagen University Hospital
Classification: Uncertain significance. Last evaluated: 2025-12-29. Review status: criteria provided, single submitter. Criteria: ACMG Guidelines, 2015. Collection method: clinical testing. Allele origin: germline.

Institute for Biomarker Research, Medical Diagnostic Laboratories, L.L.C.
Classification: Benign for Hereditary cancer-predisposing syndrome. Last evaluated: 2025-09-22. Review status: criteria provided, single submitter. Criteria: ACMG Guidelines, 2015. Collection method: clinical testing. Allele origin: germline.
Comment: The missense variant NM_032043.3(BRIP1):c.3103C>T (p.Arg1035Cys) has not been reported previously as a pathogenic variant, to our knowledge. There is a large physicochemical difference between arginine and cysteine, which is likely to impact secondary protein structure as these residues differ in polarity, charge, size and/or other properties. The gene BRIP1 has a low rate of benign missense variation as indicated by a high missense variants Z-Score of 2.45. The gene BRIP1 contains 20 pathogenic missense variants, indicating that missense variants are a common mechanism of disease in this gene. For these reasons, this variant has been classified as Benign.

Hereditary Cancer Laboratory, Hospital Universitario 12 de Octubre
Classification: Benign for Hereditary cancer-predisposing syndrome. Last evaluated: 2024-09-16. Review status: criteria provided, single submitter. Criteria: ACMG Guidelines, 2015. Collection method: clinical testing. Allele origin: germline.
Comment: BS1+BS2+BP4+BP6

CHEO Genetics Diagnostic Laboratory, Children's Hospital of Eastern Ontario
Classification: Likely benign for Breast and/or ovarian cancer. Last evaluated: 2023-04-25. Review status: criteria provided, single submitter. Criteria: ACMG Guidelines, 2015. Collection method: clinical testing. Allele origin: germline.

Myriad Genetics, Inc.
Classification: Uncertain significance for Familial cancer of breast. Last evaluated: 2023-03-01. Review status: criteria provided, single submitter. Criteria: Myriad Autosomal Dominant, Autosomal Recessive and X-Linked Classification Criteria (2023). Collection method: clinical testing. Allele origin: unknown.
Comment: This variant is classified as a variant of uncertain significance as there is insufficient evidence to determine its impact on protein function and/or cancer risk.

Ambry Genetics
Classification: Benign for Hereditary cancer-predisposing syndrome. Last evaluated: 2022-09-29. Review status: criteria provided, single submitter. Criteria: Ambry Variant Classification Scheme 2023. Collection method: clinical testing. Allele origin: germline.

Sema4
Classification: Likely benign for Hereditary cancer-predisposing syndrome. Last evaluated: 2021-09-16. Review status: criteria provided, single submitter. Criteria: Sema4 Curation Guidelines. Collection method: curation. Allele origin: germline.

GeneDx
Classification: Likely benign. Last evaluated: 2021-01-29. Review status: criteria provided, single submitter. Criteria: GeneDx Variant Classification Process June 2021. Collection method: clinical testing. Allele origin: germline. Affected: yes.
Comment: In silico analysis, which includes protein predictors and evolutionary conservation, supports that this variant does not alter protein structure/function; This variant is associated with the following publications: (PMID: 26315354, 26921362, 25722345, 21279724, 17033622)

Genetic Services Laboratory, University of Chicago
Classification: Uncertain significance. Last evaluated: 2020-12-03. Review status: criteria provided, single submitter. Criteria: ACMG Guidelines, 2015. Collection method: clinical testing. Allele origin: germline. Affected: no.
Comment: DNA sequence analysis of the BRIP1 gene demonstrated a sequence change, c.3103C>T, in exon 20 that results in an amino acid change, p.Arg1035Cys. This sequence change does not appear to have been previously described in patients with BRIP1-related disorders and has been described in the gnomAD database with a frequency of 0.44% in the South Asian sub-population (dbSNP rs45437094). The p.Arg1035Cys change affects a poorly conserved amino acid residue located in a domain of the BRIP1 protein that is not known to be functional. In-silico pathogenicity prediction tools (SIFT, PolyPhen2, Align GVGD, REVEL) provide contradictory results for the p.Arg1035Cys substitution. Due to these contrasting evidences and the lack of functional studies, the clinical significance of the p.Arg1035Cys change remains unknown at this time.

Quest Diagnostics Nichols Institute San Juan Capistrano
Classification: Benign. Last evaluated: 2020-10-16. Review status: criteria provided, single submitter. Criteria: Quest Diagnostics criteria. Collection method: clinical testing. Allele origin: unknown.

Illumina Laboratory Services, Illumina
Classification: Uncertain significance for Fanconi anemia complementation group J. Last evaluated: 2018-01-15. Review status: criteria provided, single submitter. Criteria: ICSL Variant Classification Criteria 13 December 2019. Collection method: clinical testing. Allele origin: germline.

ARUP Laboratories, Molecular Genetics and Genomics, ARUP Laboratories
Classification: Uncertain significance. Last evaluated: 2017-09-06. Review status: criteria provided, single submitter. Criteria: ARUP Molecular Germline Variant Investigation Process. Collection method: clinical testing. Allele origin: germline.
Comment: The p.Arg1035Cys variant (rs45437094) has been reported in the medical literature in at least one case of non-serous ovarian cancer (Ramus 2015). The p.Arg1035Cys variant is listed in the Genome Aggregation Database (gnomAD) browser with an allele frequency of 0.48% in the South Asian population (identified in 135 out of 30,782 chromosomes; 0 homozygotes), and is listed in ClinVar (likely benign/uncertain significance; Variant ID: 140819). The arginine at codon 1,035 is weakly conserved considering 12 species (Alamut software v2.9.0), and computational analyses suggest that this variant does not affect the Brip1 protein structure/function (SIFT: tolerated, PolyPhen2: benign, MutationTaster: polymorphism). While the p.Arg1035Cys appears to be a benign polymorphism in the South Asian population, the available information is insufficient to determine the clinical significance with certainty.

Women's Health and Genetics/Laboratory Corporation of America, LabCorp
Classification: Benign. Last evaluated: 2016-05-27. Review status: criteria provided, single submitter. Criteria: LabCorp Variant Classification Summary - May 2015. Collection method: clinical testing. Allele origin: germline.
Comment: Variant summary: The BRIP1 c.3103C>T (p.Arg1035Cys) variant involves the alteration of a non-conserved nucleotide. 4/5 in silico tools predict a benign outcome. This variant was found in 72/125562 control chromosomes, predominantly observed in the South Asian subpopulation at a frequency of 0.0039976 (66/16510). This frequency is about 64 times the estimated maximal expected allele frequency of a pathogenic BRIP1 variant (0.0000625), highly suggesting this is a benign polymorphism found primarily in the populations of South Asian origin. Furthermore, one clinical diagnostic laboratory recently classified this variant as likely benign. Taken together, this variant is classified as Benign.

Color Diagnostics, LLC DBA Color Health
Classification: Likely benign for Hereditary cancer-predisposing syndrome. Last evaluated: 2015-07-17. Review status: criteria provided, single submitter. Criteria: ACMG Guidelines, 2015. Collection method: clinical testing. Allele origin: germline.

NM_032043.3(BRIP1):c.3103C>T (p.Arg1035Cys)

Gene: BRIP1 (BRCA1 interacting DNA helicase 1; minus strand). Cytogenetic location: 17q23.2.
Variant type: single nucleotide variant.
Coding change: c.3103C>T on transcript NM_032043.3 (MANE Select); coding-DNA position 3103, C replaced by T.
Protein change: p.Arg1035Cys; replaces arginine 1035 with cysteine.
Molecular consequence: missense variant.
Genome position (GRCh38, 1-based): chr17:61,683,943, G>A on the plus strand (C>T on the coding strand, the complement: BRIP1 is on the minus strand). VCF-style: chr17-61683943-G-A. GRCh37 (hg19) VCF-style: chr17-59761304-G-A.
Other names: short protein forms R1035C.
Identifiers: ClinVar variation 140819 (VCV000140819.75), dbSNP rs45437094, ClinGen allele CA163643.